The following is an entry in ClinVar:

NM_024675.4(PALB2):c.232_233del (p.Val78fs)

Gene: PALB2 (partner and localizer of BRCA2; minus strand). Cytogenetic location: 16p12.2.
Variant type: Microsatellite.
Coding change: c.232_233del on transcript NM_024675.4 (MANE Select); coding-DNA positions 232 to 233, 2 bases deleted (GT; older notation c.232_233delGT).
Protein change: p.Val78fs; shifts the reading frame from valine 78.
Molecular consequence: frameshift variant.
Genome position (GRCh38, 1-based): chr16:23,636,313-23,636,314, AC deleted on the plus strand (GT on the coding strand, the reverse complement: PALB2 is on the minus strand); deleting any 2 consecutive bases within chr16:23,636,313-23,636,317 gives the same sequence; the c. name uses the placement nearest the transcript's 3' end. VCF-style (leftmost placement, unchanged base first): chr16-23636312-AAC-A. GRCh37 (hg19) VCF-style: chr16-23647633-AAC-A.
Other names: short protein forms V78fs.
Identifiers: ClinVar variation 949556 (VCV000949556.10), dbSNP rs776284609, ClinGen allele CA7963810.
Genomic context (GRCh38, chr16:23,636,312, plus strand): 5'-GATAGATGTCTTTTCTCCAGTTTCTTCATCAAGATGGGTTTTGATGTGTAACTTGTCATA[AAC>A]ACATATTTTATTTTTAGGTTCTGAGGAGGAAAAAAATGTATATAACTTATATTTTTCTTA-3'

ClinVar aggregate classification (germline): Pathogenic. Review status: criteria provided, multiple submitters, no conflicts (2 of 4 stars). 2 submissions from 2 submitters: Pathogenic (2). Last evaluated 2022-11-07.

Conditions:
Hereditary cancer-predisposing syndrome. Also called: Hereditary neoplastic syndrome; Neoplastic Syndromes, Hereditary; Tumor predisposition; Hereditary Cancer Syndrome. Identifiers: Orphanet 140162, MedGen C0027672, MeSH D009386, MONDO:0015356.
Familial cancer of breast. Also called: Hereditary breast cancer; hereditary breast carcinoma; BREAST CANCER, FAMILIAL. Identifiers: Orphanet 227535, MedGen C0346153, MONDO:0016419, OMIM 114480. Disease mechanism: loss of function.

Submissions (2):

Color Diagnostics, LLC DBA Color Health
Classification: Pathogenic for Hereditary cancer-predisposing syndrome. Last evaluated: 2022-11-07. Review status: criteria provided, single submitter. Criteria: ACMG Guidelines, 2015. Collection method: clinical testing. Allele origin: germline.
Comment: This variant deletes 2 nucleotides in exon 4 of the PALB2 gene, creating a frameshift and premature translation stop signal. This variant is expected to result in an absent or non-functional protein product. To our knowledge, this variant has not been reported in individuals affected with PALB2-related disorders in the literature. This variant has been identified in 1/247808 chromosomes in the general population by the Genome Aggregation Database (gnomAD). Loss of PALB2 function is a known mechanism of disease. Based on the available evidence, this variant is classified as Pathogenic.

Labcorp Genetics (formerly Invitae), Labcorp
Classification: Pathogenic for Familial cancer of breast. Last evaluated: 2021-09-20. Review status: criteria provided, single submitter. Criteria: Invitae Variant Classification Sherloc (09022015). Collection method: clinical testing. Allele origin: germline.
Comment: This variant has not been reported in the literature in individuals affected with PALB2-related conditions. For these reasons, this variant has been classified as Pathogenic. ClinVar contains an entry for this variant (Variation ID: 949556). This variant is present in population databases (rs776284609, ExAC 0.01%). This sequence change creates a premature translational stop signal (p.Val78Leufs*2) in the PALB2 gene. It is expected to result in an absent or disrupted protein product. Loss-of-function variants in PALB2 are known to be pathogenic (PMID: 17200668, 17200671, 17200672, 24136930, 25099575).

Literature cited by the submitters: PubMed 17200668 (cited by Labcorp Genetics (formerly Invitae), Labcorp); PubMed 17200671 (cited by Labcorp Genetics (formerly Invitae), Labcorp); PubMed 17200672 (cited by Labcorp Genetics (formerly Invitae), Labcorp); PubMed 24136930 (cited by Labcorp Genetics (formerly Invitae), Labcorp); PubMed 25099575 (cited by Labcorp Genetics (formerly Invitae), Labcorp).